The following is an entry in ClinVar:

NM_000263.4(NAGLU):c.100G>C (p.Ala34Pro)

Genes: NAGLU (N-acetyl-alpha-glucosaminidase; plus strand), LOC130060903 (ATAC-STARR-seq lymphoblastoid silent region 8533; plus strand). Cytogenetic location: 17q21.2.
Variant type: single nucleotide variant.
Coding change: c.100G>C on transcript NM_000263.4 (MANE Select); coding-DNA position 100, G replaced by C.
Protein change: p.Ala34Pro; replaces alanine 34 with proline.
Molecular consequence: missense variant.
Genome position (GRCh38, 1-based): chr17:42,536,372, G>C. VCF-style: chr17-42536372-G-C. GRCh37 (hg19) VCF-style: chr17-40688390-G-C.
Other names: short protein forms A34P.
Identifiers: ClinVar variation 1029747 (VCV001029747.1), dbSNP rs2092906031, ClinGen allele CA399595309.

ClinVar aggregate classification (germline): Uncertain significance (1 of 4 stars; one submission).

Conditions:
Mucopolysaccharidosis, MPS-III-B (MPS3B). Also called: MPS IIIB (Sanfilippo Syndrome Type B); MUCOPOLYSACCHARIDOSIS, TYPE IIIB; Mucopolysaccharidosis type IIIB (Sanfilippo B); N-ACETYL-ALPHA-D-GLUCOSAMINIDASE DEFICIENCY; NAGLU DEFICIENCY; SANFILIPPO SYNDROME B. Identifiers: Orphanet 79270, MedGen C0086648, MONDO:0009656, OMIM 252920.

Submission:

Baylor Genetics
Classification: Uncertain significance for Mucopolysaccharidosis, MPS-III-B. Last evaluated: 2019-08-17. Review status: criteria provided, single submitter. Criteria: ACMG Guidelines, 2015. Collection method: clinical testing. Allele origin: unknown. Affected: yes.
Comment: This variant was determined to be of uncertain significance according to ACMG Guidelines, 2015 [PMID:25741868].